The following is an entry in ClinVar:

ClinVar aggregate classification (germline): Uncertain significance (1 of 4 stars; one submission).

Conditions:
Inborn genetic diseases. Identifiers: MedGen C0950123, MeSH D030342.

Submission:

Ambry Genetics
Classification: Uncertain significance for Inborn genetic diseases. Last evaluated: 2025-01-27. Review status: criteria provided, single submitter. Criteria: Ambry Variant Classification Scheme 2023. Collection method: clinical testing. Allele origin: germline.
Comment: The p.Y1426S variant (also known as c.4277A>C), located in coding exon 1 of the SAMD9 gene, results from an A to C substitution at nucleotide position 4277. The tyrosine at codon 1426 is replaced by serine, an amino acid with dissimilar properties. This amino acid position is conserved. In addition, this alteration is predicted to be tolerated by in silico analysis. Based on the available evidence, the clinical significance of this variant remains unclear.

NM_017654.4(SAMD9):c.4277A>C (p.Tyr1426Ser)

Gene: SAMD9 (sterile alpha motif domain containing 9; minus strand). Cytogenetic location: 7q21.2.
Variant type: single nucleotide variant.
Coding change: c.4277A>C on transcript NM_017654.4 (MANE Select); coding-DNA position 4277, A replaced by C.
Protein change: p.Tyr1426Ser; replaces tyrosine 1426 with serine.
Molecular consequence: missense variant.
Genome position (GRCh38, 1-based): chr7:93,101,821, T>G on the plus strand (A>C on the coding strand, the complement: SAMD9 is on the minus strand). VCF-style: chr7-93101821-T-G. GRCh37 (hg19) VCF-style: chr7-92731134-T-G.
Other names: c.4277A>C, p.Tyr1426Ser (NM_001193307.2); short protein forms Y1426S.
Identifiers: ClinVar variation 3792026 (VCV003792026.1).